The following is an entry in ClinVar:

ClinVar aggregate classification (germline): Uncertain significance (1 of 4 stars; one submission).

Allele frequency attached by ClinVar (database versions not stated): gnomAD 0.00001; TOPMed 0.00001; ExAC 0.00002; gnomAD exomes 0.00002; ESP Exome Variant Server 0.00008.
gnomAD v4.1: 31 of 1,613,564 alleles (0.0019%); highest among the groups gnomAD compares: Non-Finnish European, 0.0026%; no homozygotes.

Submission:

Labcorp Genetics (formerly Invitae), Labcorp
Classification: Uncertain significance. Last evaluated: 2025-03-12. Review status: criteria provided, single submitter. Criteria: Invitae Variant Classification Sherloc (09022015). Collection method: clinical testing. Allele origin: germline.
Comment: This sequence change replaces threonine, which is neutral and polar, with isoleucine, which is neutral and non-polar, at codon 3623 of the KMT2A protein (p.Thr3623Ile). This variant is present in population databases (rs142212840, gnomAD 0.002%). This variant has not been reported in the literature in individuals affected with KMT2A-related conditions. ClinVar contains an entry for this variant (Variation ID: 2176661). Invitae Evidence Modeling of protein sequence and biophysical properties (such as structural, functional, and spatial information, amino acid conservation, physicochemical variation, residue mobility, and thermodynamic stability) indicates that this missense variant is not expected to disrupt KMT2A protein function with a negative predictive value of 95%. In summary, the available evidence is currently insufficient to determine the role of this variant in disease. Therefore, it has been classified as a Variant of Uncertain Significance.

NM_001197104.2(KMT2A):c.10868C>T (p.Thr3623Ile)

Gene: KMT2A (lysine methyltransferase 2A; plus strand). Cytogenetic location: 11q23.3.
Variant type: single nucleotide variant.
Coding change: c.10868C>T on transcript NM_001197104.2 (MANE Select); coding-DNA position 10868, C replaced by T.
Protein change: p.Thr3623Ile; replaces threonine 3623 with isoleucine.
Molecular consequence: missense variant.
Genome position (GRCh38, 1-based): chr11:118,509,168, C>T. VCF-style: chr11-118509168-C-T. GRCh37 (hg19) VCF-style: chr11-118379883-C-T.
Other names: c.10958C>T, p.Thr3653Ile (NM_001412597.1); c.10859C>T, p.Thr3620Ile (NM_005933.4); short protein forms T3620I, T3623I, T3653I.
Identifiers: ClinVar variation 2176661 (VCV002176661.4), dbSNP rs142212840, ClinGen allele CA6304854.